The following is an entry in ClinVar:

ClinVar aggregate classification (germline): Conflicting classifications of pathogenicity. Review status: criteria provided, conflicting classifications (1 of 4 stars). 3 submissions from 3 submitters: Uncertain significance (2); Likely benign (1). Last evaluated 2025-08-24.

Allele frequency attached by ClinVar (database versions not stated): gnomAD 0.00004; gnomAD exomes 0.00006 and 0.00009; TOPMed 0.00006; ExAC 0.00009; ESP Exome Variant Server 0.00015.
gnomAD v4.1: 135 of 1,572,592 alleles (0.0086%); highest among the groups gnomAD compares: Middle Eastern, 0.05%; 1 homozygote.

Submissions (3):

Dasa
Classification: Uncertain significance. Last evaluated: 2025-08-24. Review status: criteria provided, single submitter. Criteria: DASA Assertion Criteria. Collection method: clinical testing. Allele origin: germline.
Comment: NM_004172.5(SLC1A3):c.188T>C (p.Ile63Thr) is a missense variant that results in the substitution of isoleucine with threonine. This classification is supported by population frequency inconsistent with a disease-causing role. The currently available literature and clinical evidence are not sufficient to establish a definitive association between this variant and the reported condition. Therefore, this variant is classified as a variant of uncertain significance.

Labcorp Genetics (formerly Invitae), Labcorp
Classification: Uncertain significance. Last evaluated: 2024-12-05. Review status: criteria provided, single submitter. Criteria: Invitae Variant Classification Sherloc (09022015). Collection method: clinical testing. Allele origin: germline.
Comment: This sequence change replaces isoleucine, which is neutral and non-polar, with threonine, which is neutral and polar, at codon 63 of the SLC1A3 protein (p.Ile63Thr). This variant is present in population databases (rs138559945, gnomAD 0.01%). This variant has not been reported in the literature in individuals affected with SLC1A3-related conditions. ClinVar contains an entry for this variant (Variation ID: 1701474). Invitae Evidence Modeling of protein sequence and biophysical properties (such as structural, functional, and spatial information, amino acid conservation, physicochemical variation, residue mobility, and thermodynamic stability) indicates that this missense variant is not expected to disrupt SLC1A3 protein function with a negative predictive value of 80%. In summary, the available evidence is currently insufficient to determine the role of this variant in disease. Therefore, it has been classified as a Variant of Uncertain Significance.

CeGaT Center for Human Genetics Tuebingen
Classification: Likely benign. Last evaluated: 2022-08-01. Review status: criteria provided, single submitter. Criteria: CeGaT Center For Human Genetics Tuebingen Variant Classification Criteria Version 2. Collection method: clinical testing. Allele origin: germline. Affected: yes. Observed: 2 variant alleles.
Comment: SLC1A3: BS1

NM_004172.5(SLC1A3):c.188T>C (p.Ile63Thr)

Gene: SLC1A3 (solute carrier family 1 member 3; plus strand). Cytogenetic location: 5p13.2.
Variant type: single nucleotide variant.
Coding change: c.188T>C on transcript NM_004172.5 (MANE Select); coding-DNA position 188, T replaced by C.
Protein change: p.Ile63Thr; replaces isoleucine 63 with threonine.
Molecular consequence: missense variant. On other transcripts: intron variant (1).
Genome position (GRCh38, 1-based): chr5:36,629,456, T>C. VCF-style: chr5-36629456-T-C. GRCh37 (hg19) VCF-style: chr5-36629558-T-C.
Other names: c.188T>C, p.Ile63Thr (NM_001166695.3, NM_001289940.2); c.181+20852T>C (NM_001289939.2); short protein forms I63T.
Identifiers: ClinVar variation 1701474 (VCV001701474.35), dbSNP rs138559945, ClinGen allele CA3235389.